The following is an entry in ClinVar:

NM_001103.4(ACTN2):c.1291T>A (p.Ser431Thr)

Gene: ACTN2 (actinin alpha 2; plus strand). Cytogenetic location: 1q43.
Variant type: single nucleotide variant.
Coding change: c.1291T>A on transcript NM_001103.4 (MANE Select); coding-DNA position 1291, T replaced by A.
Protein change: p.Ser431Thr; replaces serine 431 with threonine.
Molecular consequence: missense variant. On other transcripts: non-coding transcript variant (1).
Genome position (GRCh38, 1-based): chr1:236,744,661, T>A. VCF-style: chr1-236744661-T-A. GRCh37 (hg19) VCF-style: chr1-236907961-T-A.
Other names: c.1291T>A, p.Ser431Thr (NM_001278343.2); short protein forms S431T.
Identifiers: ClinVar variation 4867447 (VCV004867447.1).

ClinVar aggregate classification (germline): Uncertain significance (1 of 4 stars; one submission).

Conditions:
Cardiovascular phenotype. Identifiers: MedGen CN230736.

Submission:

Ambry Genetics
Classification: Uncertain significance for Cardiovascular phenotype. Last evaluated: 2026-05-14. Review status: criteria provided, single submitter. Criteria: Ambry Variant Classification Scheme 2023. Collection method: clinical testing. Allele origin: germline.
Comment: The p.S431T variant (also known as c.1291T>A), located in coding exon 12 of the ACTN2 gene, results from a T to A substitution at nucleotide position 1291. The serine at codon 431 is replaced by threonine, an amino acid with similar properties. This amino acid position is conserved. In addition, this alteration is predicted to be tolerated by in silico analysis. Based on the available evidence, the clinical significance of this variant remains unclear.